The following is an entry in ClinVar:

ClinVar aggregate classification (germline): Pathogenic/Likely pathogenic. Review status: criteria provided, multiple submitters, no conflicts (2 of 4 stars). 3 submissions from 3 submitters: Pathogenic (2); Likely pathogenic (1). Last evaluated 2024-07-11.

Conditions:
Familial thoracic aortic aneurysm and aortic dissection (TAAD). Also called: Thoracic aortic aneurysms and dissections. Identifiers: Orphanet 91387, MedGen C4707243, MONDO:0019625.
Marfan syndrome (MFS). Also called: FBN1-Related Marfan Syndrome; Marfan's syndrome; MARFAN SYNDROME, TYPE I; Marfan syndrome type 1; Marfan syndrome, classic. Identifiers: Orphanet 284963, Orphanet 558, MedGen C0024796, MONDO:0007947, OMIM 154700.

Submissions (3):

Labcorp Genetics (formerly Invitae), Labcorp
Classification: Pathogenic for Marfan syndrome; Familial thoracic aortic aneurysm and aortic dissection. Last evaluated: 2024-07-11. Review status: criteria provided, single submitter. Criteria: Invitae Variant Classification Sherloc (09022015). Collection method: clinical testing. Allele origin: germline.
Comment: This sequence change replaces cysteine, which is neutral and slightly polar, with tyrosine, which is neutral and polar, at codon 1182 of the FBN1 protein (p.Cys1182Tyr). This variant is not present in population databases (gnomAD no frequency). This missense change has been observed in individual(s) with Marfan syndrome (PMID: 34456093). ClinVar contains an entry for this variant (Variation ID: 803091). Advanced modeling of protein sequence and biophysical properties (such as structural, functional, and spatial information, amino acid conservation, physicochemical variation, residue mobility, and thermodynamic stability) performed at Invitae indicates that this missense variant is expected to disrupt FBN1 protein function with a positive predictive value of 95%. This variant affects a cysteine residue in the EGF-like, TGFBP or hybrid motif domains of FBN1. Cysteine residues are believed to be involved in intramolecular disulfide bridges and have been shown to be important for FBN1 protein structure (PMID: 16905551, 19349279). In addition, missense substitutions affecting cysteine residues within these domains are significantly overrepresented among patients with Marfan syndrome (PMID: 16571647, 17701892). This variant disrupts the p.Cys1182 amino acid residue in FBN1. Other variant(s) that disrupt this residue have been observed in individuals with FBN1-related conditions (PMID: 9236141, 10189222, 34456093), which suggests that this may be a clinically significant amino acid residue. For these reasons, this variant has been classified as Pathogenic.

Mendelics
Classification: Pathogenic for Marfan syndrome. Last evaluated: 2019-05-28. Review status: criteria provided, single submitter. Criteria: Mendelics Assertion Criteria 2017. Collection method: clinical testing. Allele origin: unknown.

Ambry Genetics
Classification: Likely pathogenic for Familial thoracic aortic aneurysm and aortic dissection. Last evaluated: 2017-05-30. Review status: criteria provided, single submitter. Criteria: Ambry Variant Classification Scheme 2023. Collection method: clinical testing. Allele origin: germline.
Comment: The p.C1182Y variant (also known as c.3545G>A), located in coding exon 28 of the FBN1 gene, results from a G to A substitution at nucleotide position 3545. The cysteine at codon 1182 is replaced by tyrosine, an amino acid with highly dissimilar properties, and is located in the cbEGF-like #14 domain. This alteration has been reported in an individual with Marfan-like features (Baudhuin LM et al. J. Hum. Genet., 2015 May;60:241-52). Additional amino acid substitutions at this position, p.C1182W and p.C1182S, have also been reported in individuals with MFS and Marfan-like features (Pepe G et al. J. Mol. Cell. Cardiol., 1997 Jul;29:1877-84; Perez AB et al. Hum. Mutat., 1999;13:84; Attanasio M et al. Clin. Genet., 2008 Jul;74:39-46; Stheneur C et al. Pediatr. Res., 2011 Mar;69:265-70; Melchiorre D et al. Intern Emerg Med, 2016 Aug;11:703-11). This amino acid position is highly conserved in available vertebrate species. In addition, this alteration is predicted to be deleterious by in silico analysis. The majority of FBN1 mutations identified to date have involved the substitution or generation of cysteine residues within cbEGF domains (Vollbrandt T et al. J Biol Chem. 2004;279(31):32924-32931). Based on the majority of available evidence to date, this variant is likely to be pathogenic.

Literature cited by the submitters: PubMed 34456093 (cited by Labcorp Genetics (formerly Invitae), Labcorp); PubMed 16905551 (cited by Labcorp Genetics (formerly Invitae), Labcorp); PubMed 19349279 (cited by Labcorp Genetics (formerly Invitae), Labcorp); PubMed 16571647 (cited by Labcorp Genetics (formerly Invitae), Labcorp); PubMed 17701892 (cited by Labcorp Genetics (formerly Invitae), Labcorp); PubMed 9236141 (cited by Labcorp Genetics (formerly Invitae), Labcorp); PubMed 10189222 (cited by Labcorp Genetics (formerly Invitae), Labcorp); PubMed 25652356 (cited by Ambry Genetics).

NM_000138.5(FBN1):c.3545G>A (p.Cys1182Tyr)

Gene: FBN1 (fibrillin 1; minus strand). Cytogenetic location: 15q21.1.
Variant type: single nucleotide variant.
Coding change: c.3545G>A on transcript NM_000138.5 (MANE Select); coding-DNA position 3545, G replaced by A.
Protein change: p.Cys1182Tyr; replaces cysteine 1182 with tyrosine.
Molecular consequence: missense variant.
Genome position (GRCh38, 1-based): chr15:48,487,119, C>T on the plus strand (G>A on the coding strand, the complement: FBN1 is on the minus strand). VCF-style: chr15-48487119-C-T. GRCh37 (hg19) VCF-style: chr15-48779316-C-T.
Other names: short protein forms C1182Y.
Identifiers: ClinVar variation 803091 (VCV000803091.5), dbSNP rs1597562812, ClinGen allele CA392325032.